The following is an entry in ClinVar:

NM_000175.5(GPI):c.1094C>T (p.Thr365Ile)

Gene: GPI (glucose-6-phosphate isomerase; plus strand). Cytogenetic location: 19q13.11.
Variant type: single nucleotide variant.
Coding change: c.1094C>T on transcript NM_000175.5 (MANE Select); coding-DNA position 1094, C replaced by T.
Protein change: p.Thr365Ile; replaces threonine 365 with isoleucine.
Molecular consequence: missense variant.
Genome position (GRCh38, 1-based): chr19:34,396,332, C>T. VCF-style: chr19-34396332-C-T. GRCh37 (hg19) VCF-style: chr19-34887237-C-T.
Other names: c.1094C>T, p.Thr365Ile (NM_001329909.1, NM_001329910.1, NM_001329911.2); c.1127C>T, p.Thr376Ile (NM_001184722.1); c.1211C>T, p.Thr404Ile (NM_001289789.1); c.1010C>T, p.Thr337Ile (NM_001289790.3); short protein forms T337I, T365I, T376I, T404I.
Identifiers: ClinVar variation 3235007 (VCV003235007.1), dbSNP rs2074943794, ClinGen allele CA405242471.

ClinVar aggregate classification (germline): Uncertain significance (1 of 4 stars; one submission).

Conditions:
Hemolytic anemia due to glucophosphate isomerase deficiency (CNSHA4). Also called: ANEMIA, CONGENITAL, NONSPHEROCYTIC HEMOLYTIC, 4. Identifiers: Orphanet 712, MedGen C0272064, MONDO:0013275, OMIM 613470.

Submission:

Neuberg Centre For Genomic Medicine, NCGM
Classification: Uncertain significance for Hemolytic anemia due to glucophosphate isomerase deficiency. Review status: criteria provided, single submitter. Criteria: ACMG Guidelines, 2015. Collection method: clinical testing. Allele origin: germline. Inheritance: Autosomal recessive inheritance. Affected: yes.
Comment: The missense variant c.1094C>Tp.Thr365Ile in GPI gene has not been reported previously as a pathogenic variant nor as a benign variant, to our knowledge. The p.Thr365Ile variant is novel not in any individuals in gnomAD Exomes and 1000 Genomes. This variant has not been reported to the ClinVar database. The amino acid change p.Thr365Ile in GPI is predicted as conserved by GERP++ and PhyloP across 100 vertebrates. The amino acid Thr at position 365 is changed to a Ile changing protein sequence and it might alter its composition and physico-chemical properties. For these reasons, this variant has been classified as Uncertain Significance VUS.